The following is an entry in ClinVar:

NM_213655.5(WNK1):c.2908C>T (p.Gln970Ter)

Gene: WNK1 (WNK lysine deficient protein kinase 1; plus strand). Cytogenetic location: 12p13.33.
Variant type: single nucleotide variant.
Coding change: c.2908C>T on transcript NM_213655.5 (MANE Plus Clinical); coding-DNA position 2908, C replaced by T.
Protein change: p.Gln970Ter; replaces glutamine 970 with a stop codon.
Molecular consequence: nonsense. On other transcripts: intron variant (2).
Genome position (GRCh38, 1-based): chr12:868,379, C>T. VCF-style: chr12-868379-C-T. GRCh37 (hg19) VCF-style: chr12-977545-C-T.
Other names: c.2653C>T, p.Gln885Ter (NM_001184985.2); c.2140-2886C>T (NM_018979.4, NM_014823.3); short protein forms Q885*, Q970*.
Identifiers: ClinVar variation 973155 (VCV000973155.1), dbSNP rs767247980, ClinGen allele CA6382262.

ClinVar aggregate classification (germline): Pathogenic (0 of 4 stars; one submission).

Conditions:
Neuropathy, hereditary sensory and autonomic, type 2A (HSAN2A). Also called: WNK1-Related HSAN2 (HSAN2A); MORVAN DISEASE; NEUROPATHY, CONGENITAL SENSORY; NEUROPATHY, HEREDITARY SENSORY RADICULAR, AUTOSOMAL RECESSIVE; NEUROPATHY, HEREDITARY SENSORY, TYPE IIA; NEUROPATHY, PROGRESSIVE SENSORY, OF CHILDREN. Identifiers: Orphanet 970, MedGen C2752089, MONDO:0024309, OMIM 201300.

Allele frequency attached by ClinVar (database versions not stated): gnomAD exomes 0.00001 and 0.00002; ExAC 0.00003.
gnomAD v4.1: 6 of 1,613,938 alleles (0.00037%); highest among the groups gnomAD compares: South Asian, 0.0055%; no homozygotes.

Submission:

Institute of Human Genetics, University Hospital Jena
Classification: Pathogenic for Neuropathy, hereditary sensory and autonomic, type 2A. Last evaluated: 2020-07-08. Review status: no assertion criteria provided. Collection method: clinical testing. Allele origin: germline. Affected: yes.
Comment: in dbSNP rs767247980, but not in ClinVar

Literature cited by the submitters: PubMed 16534117; PubMed 19651702.